The following is an entry in ClinVar:

ClinVar aggregate classification (germline): Uncertain significance (1 of 4 stars; one submission).

Conditions:
Inborn genetic diseases. Identifiers: MedGen C0950123, MeSH D030342.

gnomAD v4.1: 1 of 1,611,878 alleles (0.000062%); highest among the groups gnomAD compares: African/African-American, 0.0013%; no homozygotes.

Submission:

Ambry Genetics
Classification: Uncertain significance for Inborn genetic diseases. Last evaluated: 2024-12-29. Review status: criteria provided, single submitter. Criteria: Ambry Variant Classification Scheme 2023. Collection method: clinical testing. Allele origin: germline.
Comment: The p.A1505G variant (also known as c.4514C>G), located in coding exon 31 of the ANKRD26 gene, results from a C to G substitution at nucleotide position 4514. The alanine at codon 1505 is replaced by glycine, an amino acid with similar properties. This amino acid position is conserved. In addition, this alteration is predicted to be tolerated by in silico analysis. Based on the available evidence, the clinical significance of this variant remains unclear.

NM_014915.3(ANKRD26):c.4514C>G (p.Ala1505Gly)

Gene: ANKRD26 (ankyrin repeat domain containing 26; minus strand). Cytogenetic location: 10p12.1.
Variant type: single nucleotide variant.
Coding change: c.4514C>G on transcript NM_014915.3 (MANE Select); coding-DNA position 4514, C replaced by G.
Protein change: p.Ala1505Gly; replaces alanine 1505 with glycine.
Molecular consequence: missense variant.
Genome position (GRCh38, 1-based): chr10:27,014,704, G>C on the plus strand (C>G on the coding strand, the complement: ANKRD26 is on the minus strand). VCF-style: chr10-27014704-G-C. GRCh37 (hg19) VCF-style: chr10-27303633-G-C.
Other names: c.4511C>G, p.Ala1504Gly (NM_001256053.2); short protein forms A1504G, A1505G.
Identifiers: ClinVar variation 3869781 (VCV003869781.1).